The following is an entry in ClinVar:

ClinVar aggregate classification (germline): Conflicting classifications of pathogenicity. Review status: criteria provided, conflicting classifications (1 of 4 stars). 3 submissions from 3 submitters: Likely pathogenic (1); Uncertain significance (2). Last evaluated 2025-10-03.

Conditions:
Heimler syndrome 1 (HMLR1). Also called: PEROXISOME BIOGENESIS DISORDER 1C. Identifiers: Orphanet 3220, MedGen C4551980, OMIM 234580, MONDO:0024544.
Peroxisome biogenesis disorder. Identifiers: Orphanet 79189, MedGen C1832200, MONDO:0019234. Disease mechanism: loss of function.

Allele frequency attached by ClinVar (database versions not stated): gnomAD 0.00001; gnomAD exomes 0.00004.
gnomAD v4.1: 50 of 1,612,212 alleles (0.0031%); highest among the groups gnomAD compares: Non-Finnish European, 0.0042%; no homozygotes.

Submissions (3):

Myriad Genetics, Inc.
Classification: Uncertain significance for Peroxisome biogenesis disorder. Last evaluated: 2025-10-03. Review status: criteria provided, single submitter. Criteria: Myriad Autosomal Dominant, Autosomal Recessive and X-Linked Classification Criteria (2023). Collection method: clinical testing. Allele origin: unknown.
Comment: NM_000466.2(PEX1):c.2636T>C(L879S) is a missense variant classified as a variant of uncertain significance in the context of peroxisome biogenesis disorder type 1. L879S has been observed in cases with relevant disease (PMID: 21031596). Relevant functional assessments of this variant are not available in the literature. L879S has not been observed in referenced population frequency databases. In summary, there is insufficient evidence to classify NM_000466.2(PEX1):c.2636T>C(L879S) as pathogenic or benign. Please note: this variant was assessed in the context of healthy population screening.

Baylor Genetics
Classification: Likely pathogenic for Heimler syndrome 1. Last evaluated: 2023-07-13. Review status: criteria provided, single submitter. Criteria: ACMG Guidelines, 2015. Collection method: clinical testing. Allele origin: unknown.

GeneDx
Classification: Uncertain significance. Last evaluated: 2019-08-08. Review status: criteria provided, single submitter. Criteria: GeneDx Variant Classification Process June 2021. Collection method: clinical testing. Allele origin: germline. Affected: yes.
Comment: Reported previously in association with Zellweger syndrome (Ebberink et al., 2011; Berendse et al., 2016; Klouwer et al., 2018); Not observed at a significant frequency in large population cohorts (Lek et al., 2016); In silico analysis, which includes protein predictors and evolutionary conservation, supports a deleterious effect; This variant is associated with the following publications: (PMID: 26287655, 21031596, 28857144, 31150129)

Literature cited by the submitters: PubMed 21031596 (cited by Myriad Genetics, Inc.).

NM_000466.3(PEX1):c.2636T>C (p.Leu879Ser)

Gene: PEX1 (peroxisomal biogenesis factor 1; minus strand). Cytogenetic location: 7q21.2.
Variant type: single nucleotide variant.
Coding change: c.2636T>C on transcript NM_000466.3 (MANE Select); coding-DNA position 2636, T replaced by C.
Protein change: p.Leu879Ser; replaces leucine 879 with serine.
Molecular consequence: missense variant.
Genome position (GRCh38, 1-based): chr7:92,499,786, A>G on the plus strand (T>C on the coding strand, the complement: PEX1 is on the minus strand). VCF-style: chr7-92499786-A-G. GRCh37 (hg19) VCF-style: chr7-92129100-A-G.
Other names: c.2465T>C, p.Leu822Ser (NM_001282677.2); c.2012T>C, p.Leu671Ser (NM_001282678.2); short protein forms L671S, L822S, L879S.
Identifiers: ClinVar variation 1303054 (VCV001303054.4), dbSNP rs1362906637, ClinGen allele CA368173939.